The following is an entry in ClinVar:

ClinVar aggregate classification (germline): Pathogenic/Likely pathogenic. Review status: criteria provided, multiple submitters, no conflicts (2 of 4 stars). 6 submissions from 5 submitters: Pathogenic (1); Likely pathogenic (5). Last evaluated 2024-06-19.

Conditions:
Retinitis pigmentosa 12 (RP12). Also called: RP WITH OR WITHOUT PPRPE; RP WITH OR WITHOUT PRESERVED PARAARTERIOLE RETINAL PIGMENT EPITHELIUM; RETINITIS PIGMENTOSA WITH OR WITHOUT PARAARTERIOLAR PRESERVATION OF RETINAL PIGMENT EPITHELIUM. Identifiers: Orphanet 791, MedGen C1838647, MONDO:0010818, OMIM 600105.
Leber congenital amaurosis 8 (LCA8). Identifiers: Orphanet 65, MedGen C3151202, MONDO:0013453, OMIM 613835.
Pigmented paravenous retinochoroidal atrophy. Identifiers: Orphanet 251295, MedGen C1868310, MONDO:0008246, OMIM 172870.

Submissions (6):

Fulgent Genetics
Classification: Likely pathogenic for Pigmented paravenous retinochoroidal atrophy; Retinitis pigmentosa 12; Leber congenital amaurosis 8. Last evaluated: 2024-06-19. Review status: criteria provided, single submitter. Criteria: ACMG Guidelines, 2015. Collection method: clinical testing. Allele origin: germline.

Baylor Genetics
Classification: Likely pathogenic for Leber congenital amaurosis 8. Last evaluated: 2024-02-25. Review status: criteria provided, single submitter. Criteria: ACMG Guidelines, 2015. Collection method: clinical testing. Allele origin: unknown.

Genome-Nilou Lab
Classification: Likely pathogenic for Leber congenital amaurosis 8. Last evaluated: 2023-04-11. Review status: criteria provided, single submitter. Criteria: ACMG Guidelines, 2015. Collection method: clinical testing. Allele origin: germline. Affected: no.

Genome-Nilou Lab
Classification: Likely pathogenic for Retinitis pigmentosa 12. Last evaluated: 2023-04-11. Review status: criteria provided, single submitter. Criteria: ACMG Guidelines, 2015. Collection method: clinical testing. Allele origin: germline. Affected: no.

Labcorp Genetics (formerly Invitae), Labcorp
Classification: Pathogenic for Leber congenital amaurosis 8; Retinitis pigmentosa 12. Last evaluated: 2023-02-04. Review status: criteria provided, single submitter. Criteria: Invitae Variant Classification Sherloc (09022015). Collection method: clinical testing. Allele origin: germline.
Comment: This variant is not present in population databases (gnomAD no frequency). This sequence change creates a premature translational stop signal (p.Asp1299Valfs*42) in the CRB1 gene. While this is not anticipated to result in nonsense mediated decay, it is expected to disrupt the last 108 amino acid(s) of the CRB1 protein. This variant has not been reported in the literature in individuals affected with CRB1-related conditions. For these reasons, this variant has been classified as Pathogenic. This variant disrupts a region of the CRB1 protein in which other variant(s) (p.Arg1390*) have been determined to be pathogenic (PMID: 2906847, 23379534; Invitae). This suggests that this is a clinically significant region of the protein, and that variants that disrupt it are likely to be disease-causing. Algorithms developed to predict the effect of sequence changes on RNA splicing suggest that this variant may disrupt the consensus splice site. ClinVar contains an entry for this variant (Variation ID: 1065761).

Ocular Genomics Institute, Massachusetts Eye and Ear
Classification: Likely pathogenic for Retinitis pigmentosa 12. Last evaluated: 2021-04-08. Review status: criteria provided, single submitter. Criteria: ACMG Guidelines, 2015. Collection method: research. Allele origin: germline. Affected: yes.
Comment: Through a review of available evidence we were able to apply the following criteria: PVS1, PM2. Based on this evidence we have classified this variant as Likely Pathogenic.

Literature cited by the submitters: PubMed 2906847 (cited by Labcorp Genetics (formerly Invitae), Labcorp); PubMed 23379534 (cited by Labcorp Genetics (formerly Invitae), Labcorp).

NM_201253.3(CRB1):c.3896del (p.Asp1299fs)

Gene: CRB1 (crumbs cell polarity complex component 1; plus strand). Cytogenetic location: 1q31.3.
Variant type: Deletion.
Coding change: c.3896del on transcript NM_201253.3 (MANE Select); coding-DNA position 3896, one base deleted (A; older notation c.3896delA).
Protein change: p.Asp1299fs; shifts the reading frame from aspartic acid 1299.
Molecular consequence: frameshift variant. On other transcripts: non-coding transcript variant (2).
Genome position (GRCh38, 1-based): chr1:197,442,183, A deleted. VCF-style (leftmost placement, unchanged base first): chr1-197442182-GA-G. GRCh37 (hg19) VCF-style: chr1-197411312-GA-G.
Other names: c.3560del, p.Asp1187fs (NM_001193640.2); c.3824del, p.Asp1275fs (NM_001257965.2); c.2288del, p.Asp763fs (NM_001257966.2); short protein forms D1187fs, D1275fs, D1299fs, D763fs.
Identifiers: ClinVar variation 1065761 (VCV001065761.8), dbSNP rs2125513602, ClinGen allele CA2499214380.